The following is an entry in ClinVar:

ClinVar aggregate classification (germline): Pathogenic (1 of 4 stars; one submission).

Conditions:
Beta-D-mannosidosis (MANSB). Also called: MANNOSIDOSIS, BETA A, LYSOSOMAL; BETA-MANNOSIDASE DEFICIENCY; LYSOSOMAL BETA-MANNOSIDASE DEFICIENCY; Beta-Mannosidosis. Identifiers: Orphanet 118, MedGen C4048196, MONDO:0009562, OMIM 248510.

Allele frequency attached by ClinVar (database versions not stated): gnomAD exomes 0.00001.

Submission:

Labcorp Genetics (formerly Invitae), Labcorp
Classification: Pathogenic for Beta-D-mannosidosis. Last evaluated: 2023-11-14. Review status: criteria provided, single submitter. Criteria: Invitae Variant Classification Sherloc (09022015). Collection method: clinical testing. Allele origin: germline.
Comment: This sequence change creates a premature translational stop signal (p.Gln262*) in the MANBA gene. It is expected to result in an absent or disrupted protein product. Loss-of-function variants in MANBA are known to be pathogenic (PMID: 9384606, 12468273). This variant is present in population databases (no rsID available, gnomAD 0.003%). This variant has not been reported in the literature in individuals affected with MANBA-related conditions. For these reasons, this variant has been classified as Pathogenic.

Literature cited by the submitters: PubMed 9384606; PubMed 12468273.

NM_005908.4(MANBA):c.784C>T (p.Gln262Ter)

Gene: MANBA (mannosidase beta; minus strand). Cytogenetic location: 4q24.
Variant type: single nucleotide variant.
Coding change: c.784C>T on transcript NM_005908.4 (MANE Select); coding-DNA position 784, C replaced by T.
Protein change: p.Gln262Ter; replaces glutamine 262 with a stop codon.
Molecular consequence: nonsense.
Genome position (GRCh38, 1-based): chr4:102,690,661, G>A on the plus strand (C>T on the coding strand, the complement: MANBA is on the minus strand). VCF-style: chr4-102690661-G-A. GRCh37 (hg19) VCF-style: chr4-103611818-G-A.
Other names: short protein forms Q262*.
Identifiers: ClinVar variation 3006511 (VCV003006511.3), dbSNP rs1164262919, ClinGen allele CA357769281.